The following is an entry in ClinVar:

ClinVar aggregate classification (germline): Uncertain significance (1 of 4 stars; one submission).

Conditions:
Progressive myoclonic epilepsy type 5. Identifiers: Orphanet 402082, MedGen C5190799.

gnomAD v4.1: 15 of 1,609,704 alleles (0.00093%); highest among the groups gnomAD compares: Admixed American, 0.022%; no homozygotes.

Submission:

Labcorp Genetics (formerly Invitae), Labcorp
Classification: Uncertain significance for Progressive myoclonic epilepsy type 5. Last evaluated: 2021-08-11. Review status: criteria provided, single submitter. Criteria: Invitae Variant Classification Sherloc (09022015). Collection method: clinical testing. Allele origin: germline.
Comment: This sequence change replaces cysteine with serine at codon 55 of the PRICKLE2 protein (p.Cys55Ser). The cysteine residue is highly conserved and there is a moderate physicochemical difference between cysteine and serine. This variant is present in population databases (rs781210176, ExAC 0.1%). This variant has not been reported in the literature in individuals affected with PRICKLE2-related conditions. Algorithms developed to predict the effect of missense changes on protein structure and function (SIFT, PolyPhen-2, Align-GVGD) all suggest that this variant is likely to be tolerated. In summary, the available evidence is currently insufficient to determine the role of this variant in disease. Therefore, it has been classified as a Variant of Uncertain Significance.

NM_198859.4(PRICKLE2):c.163T>A (p.Cys55Ser)

Gene: PRICKLE2 (prickle planar cell polarity protein 2; minus strand). Cytogenetic location: 3p14.1.
Variant type: single nucleotide variant.
Coding change: c.163T>A on transcript NM_198859.4 (MANE Select); coding-DNA position 163, T replaced by A.
Protein change: p.Cys55Ser; replaces cysteine 55 with serine.
Molecular consequence: missense variant.
Genome position (GRCh38, 1-based): chr3:64,163,111, A>T on the plus strand (T>A on the coding strand, the complement: PRICKLE2 is on the minus strand). VCF-style: chr3-64163111-A-T. GRCh37 (hg19) VCF-style: chr3-64148787-A-T.
Other names: c.163T>A, p.Cys55Ser (NM_001370528.1); short protein forms C55S.
Identifiers: ClinVar variation 1509091 (VCV001509091.6), dbSNP rs781210176, ClinGen allele CA2479898.